The following is an entry in ClinVar:

ClinVar aggregate classification (germline): Benign. Review status: criteria provided, multiple submitters, no conflicts (2 of 4 stars). 5 submissions from 5 submitters: Benign (5). Last evaluated 2026-02-03.

Conditions:
Hyperlipidemia due to hepatic triglyceride lipase deficiency. Also called: LIPC DEFICIENCY. Identifiers: Orphanet 140905, MedGen C3151466, MONDO:0013533, OMIM 614025.

Allele frequency attached by ClinVar (database versions not stated): ESP Exome Variant Server 0.04365; gnomAD 0.05370 and 0.05870; TOPMed 0.06069; 1000 Genomes Project 30x 0.12102; 1000 Genomes Project 0.12420.
gnomAD v4.1: 73,638 of 1,613,264 alleles (4.6%); highest among the groups gnomAD compares: East Asian, 29%; 3,759 homozygotes.

Submissions (5):

Labcorp Genetics (formerly Invitae), Labcorp
Classification: Benign. Last evaluated: 2026-02-03. Review status: criteria provided, single submitter. Criteria: Invitae Variant Classification Sherloc (09022015). Collection method: clinical testing. Allele origin: germline.

Mayo Clinic Laboratories, Mayo Clinic
Classification: Benign. Last evaluated: 2023-05-16. Review status: criteria provided, single submitter. Criteria: ACMG Guidelines, 2015. Collection method: clinical testing. Allele origin: germline. Observed: 13 variant alleles.
Comment: BA1, BP4_strong

GeneDx
Classification: Benign. Last evaluated: 2018-12-05. Review status: criteria provided, single submitter. Criteria: GeneDx Variant Classification Process June 2021. Collection method: clinical testing. Allele origin: germline. Affected: yes.
Comment: This variant is associated with the following publications: (PMID: 31619059, 10924721, 19428034, 24503134)

Illumina Laboratory Services, Illumina
Classification: Benign for Hyperlipidemia due to hepatic triglyceride lipase deficiency. Last evaluated: 2018-03-06. Review status: criteria provided, single submitter. Criteria: ICSL Variant Classification Criteria 13 December 2019. Collection method: clinical testing. Allele origin: germline.
Comment: This variant was observed in the ICSL laboratory as part of a predisposition screen in an ostensibly healthy population. It had not been previously curated by ICSL or reported in the Human Gene Mutation Database (HGMD: prior to June 1st, 2018), and was therefore a candidate for classification through an automated scoring system. Utilizing variant allele frequency, disease prevalence and penetrance estimates, and inheritance mode, an automated score was calculated to assess if this variant is too frequent to cause the disease. Based on the score and internal cut-off values, a variant classified as benign is not then subjected to further curation. The score for this variant resulted in a classification of benign for this disease.

Breakthrough Genomics
Classification: Benign. Review status: criteria provided, single submitter. Criteria: ACMG Guidelines, 2015. Collection method: not provided. Allele origin: germline. Inheritance: Autosomal recessive inheritance. Affected: yes.

NM_000236.3(LIPC):c.283G>A (p.Val95Met)

Gene: LIPC (lipase C, hepatic type; plus strand). Cytogenetic location: 15q21.3.
Variant type: single nucleotide variant.
Coding change: c.283G>A on transcript NM_000236.3 (MANE Select); coding-DNA position 283, G replaced by A.
Protein change: p.Val95Met; replaces valine 95 with methionine.
Molecular consequence: missense variant.
Genome position (GRCh38, 1-based): chr15:58,541,794, G>A. VCF-style: chr15-58541794-G-A. GRCh37 (hg19) VCF-style: chr15-58833993-G-A.
Other names: short protein forms V95M.
Identifiers: ClinVar variation 316656 (VCV000316656.17), dbSNP rs6078, ClinGen allele CA7584798.